The following is an entry in ClinVar:

ClinVar aggregate classification (germline): Likely benign. Review status: criteria provided, multiple submitters, no conflicts (2 of 4 stars). 3 submissions from 3 submitters: Likely benign (3). Last evaluated 2025-12-23.

Conditions:
FLVCR1-related disorder. Also called: FLVCR1-related condition.

Allele frequency attached by ClinVar (database versions not stated): TOPMed 0.00001; gnomAD exomes 0.00003 and 0.00007; gnomAD 0.00004; ExAC 0.00060.
gnomAD v4.1: 50 of 1,460,734 alleles (0.0034%); highest among the groups gnomAD compares: South Asian, 0.065%; 1 homozygote.

Submissions (3):

PreventionGenetics, part of Exact Sciences
Classification: Likely benign for FLVCR1-related condition. Last evaluated: 2025-12-23. Review status: criteria provided, single submitter. Criteria: ACMG Guidelines, 2015. Collection method: clinical testing. Allele origin: germline.
Comment: This variant is classified as likely benign based on ACMG/AMP sequence variant interpretation guidelines (Richards et al. 2015 PMID: 25741868, with internal and published modifications).

Blueprint Genetics
Classification: Likely benign. Last evaluated: 2024-10-23. Review status: criteria provided, single submitter. Criteria: ACMG Guidelines, 2015. Collection method: clinical testing. Allele origin: germline.

Labcorp Genetics (formerly Invitae), Labcorp
Classification: Likely benign. Last evaluated: 2023-06-20. Review status: criteria provided, single submitter. Criteria: Invitae Variant Classification Sherloc (09022015). Collection method: clinical testing. Allele origin: germline.

NM_014053.4(FLVCR1):c.79A>C (p.Arg27=)

Genes: FLVCR1 (FLVCR choline and heme transporter 1; plus strand), LOC129932486 (ATAC-STARR-seq lymphoblastoid silent region 1807; plus strand). Cytogenetic location: 1q32.3.
Variant type: single nucleotide variant.
Coding change: c.79A>C on transcript NM_014053.4 (MANE Select); coding-DNA position 79, A replaced by C.
Protein change: p.Arg27=; no amino-acid change (arginine 27 retained).
Molecular consequence: synonymous variant.
Genome position (GRCh38, 1-based): chr1:212,858,531, A>C. VCF-style: chr1-212858531-A-C. GRCh37 (hg19) VCF-style: chr1-213031873-A-C.
Other names: c.79A>C (NM_014053.3).
Identifiers: ClinVar variation 1640727 (VCV001640727.10), dbSNP rs777071598, ClinGen allele CA1385832.
Genomic context (GRCh38, chr1:212,858,531, plus strand): 5'-GAGGAGGGGGCGGCGGTGGCGCCCGGACACCCGCTCGCGAAAGGATACCTCCCGTTGCCG[A>C]GGGGCGCGCCCGTTGGGAAGGAGAGCGTGGAGCTGCAGAACGGGCCCAAAGCGGGCACCT-3'
Protein context (NP_054772.1, residues 17-37): PLAKGYLPLP[Arg27=]GAPVGKESVE